The following is an entry in ClinVar:

ClinVar aggregate classification (germline): Conflicting classifications of pathogenicity. Review status: criteria provided, conflicting classifications (1 of 4 stars). 3 submissions from 3 submitters: Uncertain significance (2); Likely benign (1). Last evaluated 2026-06-06.

Conditions:
PHF6-related disorder. Also called: PHF6-related condition.
Borjeson-Forssman-Lehmann syndrome (BFLS). Also called: MENTAL RETARDATION, X-LINKED, SYNDROMIC, BORJESON-FORSSMAN-LEHMANN TYPE; MENTAL RETARDATION, EPILEPSY, AND ENDOCRINE DISORDERS; BORJESON SYNDROME. Identifiers: Orphanet 127, MedGen C0265339, MONDO:0010537, OMIM 301900.

Allele frequency attached by ClinVar (database versions not stated): ExAC 0.00001; gnomAD 0.00001; gnomAD exomes 0.00001 and 0.00002; TOPMed 0.00003.
gnomAD v4.1: 12 of 1,171,142 alleles (0.001%); highest among the groups gnomAD compares: South Asian, 0.013%; no homozygotes.

Submissions (3):

PreventionGenetics, part of Exact Sciences
Classification: Likely benign for PHF6-related condition. Last evaluated: 2026-06-06. Review status: criteria provided, single submitter. Criteria: ACMG Guidelines, 2015. Collection method: clinical testing. Allele origin: germline.
Comment: This variant is classified as likely benign based on ACMG/AMP sequence variant interpretation guidelines (Richards et al. 2015 PMID: 25741868, with internal and published modifications).

Labcorp Genetics (formerly Invitae), Labcorp
Classification: Uncertain significance for Borjeson-Forssman-Lehmann syndrome. Last evaluated: 2024-04-16. Review status: criteria provided, single submitter. Criteria: Invitae Variant Classification Sherloc (09022015). Collection method: clinical testing. Allele origin: germline.
Comment: This sequence change replaces threonine, which is neutral and polar, with methionine, which is neutral and non-polar, at codon 78 of the PHF6 protein (p.Thr78Met). This variant is present in population databases (rs767406620, gnomAD 0.007%), including at least one homozygous and/or hemizygous individual. This variant has not been reported in the literature in individuals affected with PHF6-related conditions. ClinVar contains an entry for this variant (Variation ID: 1339806). Advanced modeling of protein sequence and biophysical properties (such as structural, functional, and spatial information, amino acid conservation, physicochemical variation, residue mobility, and thermodynamic stability) performed at Invitae indicates that this missense variant is not expected to disrupt PHF6 protein function with a negative predictive value of 80%. In summary, the available evidence is currently insufficient to determine the role of this variant in disease. Therefore, it has been classified as a Variant of Uncertain Significance.

Fulgent Genetics
Classification: Uncertain significance for Borjeson-Forssman-Lehmann syndrome. Last evaluated: 2024-04-15. Review status: criteria provided, single submitter. Criteria: ACMG Guidelines, 2015. Collection method: clinical testing. Allele origin: germline.

NM_001015877.2(PHF6):c.233C>T (p.Thr78Met)

Gene: PHF6 (PHD finger protein 6; plus strand). Cytogenetic location: Xq26.2.
Variant type: single nucleotide variant.
Coding change: c.233C>T on transcript NM_001015877.2 (MANE Select); coding-DNA position 233, C replaced by T.
Protein change: p.Thr78Met; replaces threonine 78 with methionine.
Molecular consequence: missense variant.
Genome position (GRCh38, 1-based): chrX:134,378,099, C>T. VCF-style: chrX-134378099-C-T. GRCh37 (hg19) VCF-style: chrX-133512129-C-T.
Other names: c.233C>T (NM_032458.2); c.233C>T, p.Thr78Met (NM_032335.3, NM_032458.3); short protein forms T78M.
Identifiers: ClinVar variation 1339806 (VCV001339806.9), dbSNP rs767406620, ClinGen allele CA10521165.